The following is an entry in ClinVar:

ClinVar aggregate classification (germline): Pathogenic/Likely pathogenic. Review status: criteria provided, multiple submitters, no conflicts (2 of 4 stars). 2 submissions from 2 submitters: Pathogenic (1); Likely pathogenic (1). Last evaluated 2024-07-09.

Conditions:
Hermansky-Pudlak syndrome 3 (HPS3). Identifiers: Orphanet 231512, Orphanet 79430, MedGen C3888001, MONDO:0013555, OMIM 614072.

Submissions (2):

Myriad Genetics, Inc.
Classification: Pathogenic for Hermansky-Pudlak syndrome 3. Last evaluated: 2024-07-09. Review status: criteria provided, single submitter. Criteria: Myriad Autosomal Dominant, Autosomal Recessive and X-Linked Classification Criteria (2023). Collection method: clinical testing. Allele origin: unknown.
Comment: NM_032383.3(HPS3):c.2425A>T(R809*) is expected to be pathogenic in the context of Hermansky-Pudlak syndrome, HPS3-related. This variant is predicted to lead to an abnormal or absent protein product due to the creation of a premature termination codon in HPS3, a gene where loss-of-function variants are known to be pathogenic. Please note: this variant was assessed in the context of healthy population screening.

Fulgent Genetics
Classification: Likely pathogenic for Hermansky-Pudlak syndrome 3. Last evaluated: 2024-01-03. Review status: criteria provided, single submitter. Criteria: ACMG Guidelines, 2015. Collection method: clinical testing. Allele origin: germline.

NM_032383.5(HPS3):c.2425A>T (p.Arg809Ter)

Genes: CP (ceruloplasmin; minus strand), HPS3 (HPS3 biogenesis of lysosomal organelles complex 2 subunit 1; plus strand). Cytogenetic location: 3q24.
Variant type: single nucleotide variant.
Coding change: c.2425A>T on transcript NM_032383.5 (MANE Select); coding-DNA position 2425, A replaced by T.
Protein change: p.Arg809Ter; replaces arginine 809 with a stop codon.
Molecular consequence: nonsense. On other transcripts: non-coding transcript variant (1).
Genome position (GRCh38, 1-based): chr3:149,162,822, A>T. VCF-style: chr3-149162822-A-T. GRCh37 (hg19) VCF-style: chr3-148880609-A-T.
Other names: c.1930A>T, p.Arg644Ter (NM_001308258.2); short protein forms R644*, R809*.
Identifiers: ClinVar variation 3588684 (VCV003588684.2).